The following is an entry in ClinVar:

NM_001370658.1(BTD):c.686del (p.Leu229fs)

Gene: BTD (biotinidase; plus strand). Cytogenetic location: 3p25.1.
Variant type: Deletion.
Coding change: c.686del on transcript NM_001370658.1 (MANE Select); coding-DNA position 686, one base deleted (T; older notation c.686delT).
Protein change: p.Leu229fs; shifts the reading frame from leucine 229.
Molecular consequence: frameshift variant. On other transcripts: intron variant (1).
Genome position (GRCh38, 1-based): chr3:15,644,602, T deleted; the last of 2 consecutive T bases (chr3:15,644,601-15,644,602); deleting either gives the same sequence. VCF-style (leftmost placement, unchanged base first): chr3-15644600-AT-A. GRCh37 (hg19) VCF-style: chr3-15686107-AT-A.
Other names: c.746delT, p.Leu249Cysfs (NM_000060.4); c.686delT, p.Leu229Cysfs (NM_001281723.4, NM_001281725.3, NM_001323582.2 and 16 more transcripts); c.686del, p.Leu229fs (NM_001281724.3, NM_001370752.1); c.399+2545del (NM_001370753.1); short protein forms L229fs.
Identifiers: ClinVar variation 2047147 (VCV002047147.4), dbSNP rs2471512698, ClinGen allele CA2580068522.

ClinVar aggregate classification (germline): Pathogenic (1 of 4 stars; one submission).

Conditions:
Biotinidase deficiency. Also called: BTD deficiency; Late-onset biotin-responsive multiple carboxylase deficiency; Biotin deficiency. Identifiers: Orphanet 79241, MedGen C0220754, MONDO:0009665, OMIM 253260.

Submission:

Labcorp Genetics (formerly Invitae), Labcorp
Classification: Pathogenic for Biotinidase deficiency. Last evaluated: 2021-12-18. Review status: criteria provided, single submitter. Criteria: Invitae Variant Classification Sherloc (09022015). Collection method: clinical testing. Allele origin: germline.
Comment: For these reasons, this variant has been classified as Pathogenic. This variant disrupts a region of the BTD protein in which other variant(s) (p.Leu498Phefs*13) have been determined to be pathogenic (PMID: 17382128, 19728141, 29359854). This suggests that this is a clinically significant region of the protein, and that variants that disrupt it are likely to be disease-causing. This variant has not been reported in the literature in individuals affected with BTD-related conditions. This variant is not present in population databases (gnomAD no frequency). This sequence change creates a premature translational stop signal (p.Leu249Cysfs*15) in the BTD gene. While this is not anticipated to result in nonsense mediated decay, it is expected to disrupt the last 295 amino acid(s) of the BTD protein.

Literature cited by the submitters: PubMed 17382128; PubMed 19728141; PubMed 29359854.